The following is an entry in ClinVar:

ClinVar aggregate classification (germline): Pathogenic (1 of 4 stars; one submission).

Submission:

Labcorp Genetics (formerly Invitae), Labcorp
Classification: Pathogenic. Last evaluated: 2022-08-05. Review status: criteria provided, single submitter. Criteria: Invitae Variant Classification Sherloc (09022015). Collection method: clinical testing. Allele origin: germline.
Comment: This variant is a gross deletion of the genomic region encompassing exon(s) 24-25 of the PCDH15 gene. This deletion is out-of-frame, and is expected to create a premature termination codon and result in an absent or disrupted protein product. Loss-of-function variants in PCDH15 are known to be pathogenic (PMID: 11398101, 11487575, 14570705). This variant has not been reported in the literature in individuals affected with PCDH15-related conditions. For these reasons, this variant has been classified as Pathogenic.

Literature cited by the submitters: PubMed 11398101; PubMed 11487575; PubMed 14570705.

NC_000010.10:g.(?_55698565)_(55700745_?)del

Gene: PCDH15 (protocadherin related 15; minus strand). Cytogenetic location: 10q21.1.
Variant type: Deletion.
Identifiers: ClinVar variation 2427103 (VCV002427103.3).